The following is an entry in ClinVar:

NM_001040108.2(MLH3):c.368T>A (p.Leu123Gln)

Gene: MLH3 (mutL homolog 3; minus strand). Cytogenetic location: 14q24.3.
Variant type: single nucleotide variant.
Coding change: c.368T>A on transcript NM_001040108.2 (MANE Select); coding-DNA position 368, T replaced by A.
Protein change: p.Leu123Gln; replaces leucine 123 with glutamine.
Molecular consequence: missense variant.
Genome position (GRCh38, 1-based): chr14:75,049,288, A>T on the plus strand (T>A on the coding strand, the complement: MLH3 is on the minus strand). VCF-style: chr14-75049288-A-T. GRCh37 (hg19) VCF-style: chr14-75515991-A-T.
Other names: c.368T>A, p.Leu123Gln (NM_014381.3); short protein forms L123Q.
Identifiers: ClinVar variation 2497075 (VCV002497075.2), dbSNP rs2503330287, ClinGen allele CA390450766.

ClinVar aggregate classification (germline): Uncertain significance (1 of 4 stars; one submission).

gnomAD v4.1: 4 of 1,614,216 alleles (0.00025%); highest among the groups gnomAD compares: Non-Finnish European, 0.00034%; no homozygotes.

Submission:

Ambry Genetics
Classification: Uncertain significance. Last evaluated: 2023-01-18. Review status: criteria provided, single submitter. Criteria: Ambry Variant Classification Scheme 2023. Collection method: clinical testing. Allele origin: germline.
Comment: The p.L123Q variant (also known as c.368T>A), located in coding exon 1 of the MLH3 gene, results from a T to A substitution at nucleotide position 368. The leucine at codon 123 is replaced by glutamine, an amino acid with dissimilar properties. This amino acid position is conserved. In addition, the in silico prediction for this alteration is inconclusive. Since supporting evidence is limited at this time, the clinical significance of this alteration remains unclear.